The following is an entry in ClinVar:

ClinVar aggregate classification (germline): Uncertain significance (1 of 4 stars; one submission).

Conditions:
Familial thoracic aortic aneurysm and aortic dissection (TAAD). Also called: Thoracic aortic aneurysms and dissections. Identifiers: Orphanet 91387, MedGen C4707243, MONDO:0019625.

Submission:

Ambry Genetics
Classification: Uncertain significance for Familial thoracic aortic aneurysm and aortic dissection. Last evaluated: 2026-05-24. Review status: criteria provided, single submitter. Criteria: Ambry Variant Classification Scheme 2023. Collection method: clinical testing. Allele origin: germline.
Comment: The p.L472R variant (also known as c.1415T>G), located in coding exon 8 of the MYLK gene, results from a T to G substitution at nucleotide position 1415. The leucine at codon 472 is replaced by arginine, an amino acid with dissimilar properties. This amino acid position is conserved. In addition, this alteration is predicted to be deleterious by in silico analysis. Based on the available evidence, the clinical significance of this variant remains unclear.

NM_053025.4(MYLK):c.1415T>G (p.Leu472Arg)

Gene: MYLK (myosin light chain kinase; minus strand). Cytogenetic location: 3q21.1.
Variant type: single nucleotide variant.
Coding change: c.1415T>G on transcript NM_053025.4 (MANE Select); coding-DNA position 1415, T replaced by G.
Protein change: p.Leu472Arg; replaces leucine 472 with arginine.
Molecular consequence: missense variant. On other transcripts: intron variant (2).
Genome position (GRCh38, 1-based): chr3:123,732,997, A>C on the plus strand (T>G on the coding strand, the complement: MYLK is on the minus strand). VCF-style: chr3-123732997-A-C. GRCh37 (hg19) VCF-style: chr3-123451844-A-C.
Other names: c.887T>G, p.Leu296Arg (NM_001321309.2); c.1415T>G, p.Leu472Arg (NM_053027.4); c.1309+690T>G (NM_053028.4, NM_053026.4); short protein forms L296R, L472R.
Identifiers: ClinVar variation 4860624 (VCV004860624.1).